The following is an entry in ClinVar:

NM_001365999.1(SZT2):c.8954G>A (p.Arg2985Gln)

Gene: SZT2 (SZT2 subunit of KICSTOR complex; plus strand). Cytogenetic location: 1p34.2.
Variant type: single nucleotide variant.
Coding change: c.8954G>A on transcript NM_001365999.1 (MANE Select); coding-DNA position 8954, G replaced by A.
Protein change: p.Arg2985Gln; replaces arginine 2985 with glutamine.
Molecular consequence: missense variant.
Genome position (GRCh38, 1-based): chr1:43,446,216, G>A. VCF-style: chr1-43446216-G-A. GRCh37 (hg19) VCF-style: chr1-43911887-G-A.
Other names: c.8783G>A, p.Arg2928Gln (NM_015284.4); short protein forms R2928Q, R2985Q.
Identifiers: ClinVar variation 838230 (VCV000838230.8), dbSNP rs774382599, ClinGen allele CA810771.

ClinVar aggregate classification (germline): Uncertain significance. Review status: criteria provided, multiple submitters, no conflicts (2 of 4 stars). 2 submissions from 2 submitters: Uncertain significance (2). Last evaluated 2025-08-30.

Conditions:
Inborn genetic diseases. Identifiers: MedGen C0950123, MeSH D030342.

Allele frequency attached by ClinVar (database versions not stated): ExAC 0.00001; gnomAD exomes 0.00001; TOPMed 0.00003; gnomAD 0.00004.
gnomAD v4.1: 23 of 1,614,200 alleles (0.0014%); highest among the groups gnomAD compares: African/African-American, 0.004%; no homozygotes.

Submissions (2):

Ambry Genetics
Classification: Uncertain significance for Inborn genetic diseases. Last evaluated: 2025-08-30. Review status: criteria provided, single submitter. Criteria: Ambry Variant Classification Scheme 2023. Collection method: clinical testing. Allele origin: germline.

Labcorp Genetics (formerly Invitae), Labcorp
Classification: Uncertain significance. Last evaluated: 2019-05-02. Review status: criteria provided, single submitter. Criteria: Invitae Variant Classification Sherloc (09022015). Collection method: clinical testing. Allele origin: germline.
Comment: In summary, the available evidence is currently insufficient to determine the role of this variant in disease. Therefore, it has been classified as a Variant of Uncertain Significance. Algorithms developed to predict the effect of sequence changes on RNA splicing suggest that this variant may create or strengthen a splice site, but this prediction has not been confirmed by published transcriptional studies. Algorithms developed to predict the effect of missense changes on protein structure and function are either unavailable or do not agree on the potential impact of this missense change (SIFT: "Tolerated"; PolyPhen-2: "Probably Damaging"; Align-GVGD: "Class C0"). This variant has not been reported in the literature in individuals with SZT2-related conditions. The frequency data for this variant in the population databases is considered unreliable, as metrics indicate poor data quality at this position in the ExAC database. This sequence change replaces arginine with glutamine at codon 2928 of the SZT2 protein (p.Arg2928Gln). The arginine residue is highly conserved and there is a small physicochemical difference between arginine and glutamine.